The following is an entry in ClinVar:

ClinVar aggregate classification (germline): Uncertain significance (1 of 4 stars; one submission).

Submission:

Ambry Genetics
Classification: Uncertain significance. Last evaluated: 2021-12-27. Review status: criteria provided, single submitter. Criteria: Ambry Variant Classification Scheme 2023. Collection method: clinical testing. Allele origin: germline.
Comment: The p.K308N variant (also known as c.924G>T), located in coding exon 4 of the MNDA gene, results from a G to T substitution at nucleotide position 924. The lysine at codon 308 is replaced by asparagine, an amino acid with similar properties. This amino acid position is conserved. In addition, this alteration is predicted to be tolerated by in silico analysis. Since supporting evidence is limited at this time, the clinical significance of this alteration remains unclear.

NM_002432.3(MNDA):c.924G>T (p.Lys308Asn)

Gene: MNDA (myeloid cell nuclear differentiation antigen; plus strand). Cytogenetic location: 1q23.1.
Variant type: single nucleotide variant.
Coding change: c.924G>T on transcript NM_002432.3 (MANE Select); coding-DNA position 924, G replaced by T.
Protein change: p.Lys308Asn; replaces lysine 308 with asparagine.
Molecular consequence: missense variant.
Genome position (GRCh38, 1-based): chr1:158,845,940, G>T. VCF-style: chr1-158845940-G-T. GRCh37 (hg19) VCF-style: chr1-158815730-G-T.
Other names: short protein forms K308N.
Identifiers: ClinVar variation 1766327 (VCV001766327.2), dbSNP rs2526088253, ClinGen allele CA343042334.